The following is an entry in ClinVar:

NM_001035.3(RYR2):c.14342A>G (p.Tyr4781Cys)

Gene: RYR2 (ryanodine receptor 2; plus strand). Cytogenetic location: 1q43.
Variant type: single nucleotide variant.
Coding change: c.14342A>G on transcript NM_001035.3 (MANE Select); coding-DNA position 14342, A replaced by G.
Protein change: p.Tyr4781Cys; replaces tyrosine 4781 with cysteine.
Molecular consequence: missense variant.
Genome position (GRCh38, 1-based): chr1:237,808,944, A>G. VCF-style: chr1-237808944-A-G. GRCh37 (hg19) VCF-style: chr1-237972244-A-G.
Other names: short protein forms Y4781C.
Identifiers: ClinVar variation 1478898 (VCV001478898.7), dbSNP rs2149446480, ClinGen allele CA345424193.

ClinVar aggregate classification (germline): Uncertain significance (1 of 4 stars; one submission).

Conditions:
Catecholaminergic polymorphic ventricular tachycardia 1. Also called: VENTRICULAR TACHYCARDIA, CATECHOLAMINERGIC POLYMORPHIC, 1, WITH OR WITHOUT ATRIAL DYSFUNCTION AND/OR DILATED CARDIOMYOPATHY; RYR2-Related Catecholaminergic Polymorphic Ventricular Tachycardia; VENTRICULAR TACHYCARDIA, STRESS-INDUCED POLYMORPHIC 1. Identifiers: Orphanet 3286, MedGen C1631597, MONDO:0011484, OMIM 604772.

Submission:

Labcorp Genetics (formerly Invitae), Labcorp
Classification: Uncertain significance for Catecholaminergic polymorphic ventricular tachycardia 1. Last evaluated: 2021-10-04. Review status: criteria provided, single submitter. Criteria: Invitae Variant Classification Sherloc (09022015). Collection method: clinical testing. Allele origin: germline.
Comment: In summary, the available evidence is currently insufficient to determine the role of this variant in disease. Therefore, it has been classified as a Variant of Uncertain Significance. Advanced modeling of protein sequence and biophysical properties (such as structural, functional, and spatial information, amino acid conservation, physicochemical variation, residue mobility, and thermodynamic stability) performed at Invitae indicates that this missense variant is expected to disrupt RYR2 protein function. This variant has not been reported in the literature in individuals affected with RYR2-related conditions. This variant is not present in population databases (ExAC no frequency). This sequence change replaces tyrosine with cysteine at codon 4781 of the RYR2 protein (p.Tyr4781Cys). The tyrosine residue is highly conserved and there is a large physicochemical difference between tyrosine and cysteine.